The following is an entry in ClinVar:

NM_003660.4(PPFIA3):c.209T>C (p.Leu70Pro)

Genes: PPFIA3 (PTPRF interacting protein alpha 3; plus strand), LOC130064903 (ATAC-STARR-seq lymphoblastoid silent region 10914; plus strand). Cytogenetic location: 19q13.33.
Variant type: single nucleotide variant.
Coding change: c.209T>C on transcript NM_003660.4 (MANE Select); coding-DNA position 209, T replaced by C.
Protein change: p.Leu70Pro; replaces leucine 70 with proline.
Molecular consequence: missense variant. On other transcripts: non-coding transcript variant (1).
Genome position (GRCh38, 1-based): chr19:49,128,082, T>C. VCF-style: chr19-49128082-T-C. GRCh37 (hg19) VCF-style: chr19-49631339-T-C.
Other names: short protein forms L70P.
Identifiers: ClinVar variation 3900164 (VCV003900164.1).
Genomic context (GRCh38, chr19:49,128,082, plus strand): 5'-AGGACGGGTTGGCTACAGCGCAGCTGCGGCTGCGCGAGCTCGGCCACGAGAAGGACTCGC[T>C]GCAGCGCCAGCTCAGCATCGCGCTGCCCCAGGTCTGGGCGGGACAGGGGCGGGGCATGAG-3'
Protein context (NP_003651.1, residues 60-80): LRELGHEKDS[Leu70Pro]QRQLSIALPQ

ClinVar aggregate classification (germline): Uncertain significance (1 of 4 stars; one submission).

Submission:

GeneDx
Classification: Uncertain significance. Last evaluated: 2024-11-26. Review status: criteria provided, single submitter. Criteria: GeneDx Variant Classification Process June 2021. Collection method: clinical testing. Allele origin: germline. Affected: yes.
Comment: Not observed at significant frequency in large population cohorts (gnomAD); In silico analysis supports that this missense variant has a deleterious effect on protein structure/function; Has not been previously published as pathogenic or benign to our knowledge